The following is an entry in ClinVar:

ClinVar aggregate classification (germline): Uncertain significance (1 of 4 stars; one submission).

Conditions:
Amyotrophic lateral sclerosis type 4 (ALS4). Also called: AMYOTROPHIC LATERAL SCLEROSIS 4, JUVENILE; NEURONOPATHY, DISTAL HEREDITARY MOTOR, WITH PYRAMIDAL FEATURES. Identifiers: Orphanet 357043, MedGen C1865409, MONDO:0011223, OMIM 602433.
Spinocerebellar ataxia, autosomal recessive, with axonal neuropathy 2 (SCAN2). Also called: ATAXIA-OCULOMOTOR APRAXIA 2; Ataxia-ocular apraxia-2; Ataxia with Oculomotor Apraxia Type 2; Ataxia with Oculomotor Apraxia. Identifiers: Orphanet 64753, MedGen C1853761, MONDO:0018996, OMIM 606002.

gnomAD v4.1: 3 of 1,612,480 alleles (0.00019%); highest among the groups gnomAD compares: Non-Finnish European, 0.00017%; no homozygotes.

Submission:

Labcorp Genetics (formerly Invitae), Labcorp
Classification: Uncertain significance for Amyotrophic lateral sclerosis type 4; Spinocerebellar ataxia, autosomal recessive, with axonal neuropathy 2. Last evaluated: 2023-10-18. Review status: criteria provided, single submitter. Criteria: Invitae Variant Classification Sherloc (09022015). Collection method: clinical testing. Allele origin: germline.
Comment: This sequence change replaces serine, which is neutral and polar, with arginine, which is basic and polar, at codon 708 of the SETX protein (p.Ser708Arg). This variant is not present in population databases (gnomAD no frequency). This variant has not been reported in the literature in individuals affected with SETX-related conditions. Advanced modeling of protein sequence and biophysical properties (such as structural, functional, and spatial information, amino acid conservation, physicochemical variation, residue mobility, and thermodynamic stability) performed at Invitae indicates that this missense variant is not expected to disrupt SETX protein function. In summary, the available evidence is currently insufficient to determine the role of this variant in disease. Therefore, it has been classified as a Variant of Uncertain Significance.

NM_015046.7(SETX):c.2124T>G (p.Ser708Arg)

Gene: SETX (senataxin; minus strand). Cytogenetic location: 9q34.13.
Variant type: single nucleotide variant.
Coding change: c.2124T>G on transcript NM_015046.7 (MANE Select); coding-DNA position 2124, T replaced by G.
Protein change: p.Ser708Arg; replaces serine 708 with arginine.
Molecular consequence: missense variant.
Genome position (GRCh38, 1-based): chr9:132,329,474, A>C on the plus strand (T>G on the coding strand, the complement: SETX is on the minus strand). VCF-style: chr9-132329474-A-C. GRCh37 (hg19) VCF-style: chr9-135204861-A-C.
Other names: c.2124T>G, p.Ser708Arg (NM_001351527.2, NM_001351528.2); short protein forms S708R.
Identifiers: ClinVar variation 2951391 (VCV002951391.3), dbSNP rs139236924, ClinGen allele CA375336914.
Genomic context (GRCh38, chr9:132,329,474, plus strand): 5'-TGAAGTACAGTCCTTTGGTGTATATGAAGAGATCTCTTTTACAGACTTCTGCTTCCTTGT[A>C]CTTATTTTAATTTGATCTTCAGCTCTTTCAGTAAAAATGTTTTTACTACTCTGCTTTAAG-3'
Protein context (NP_055861.3, residues 698-718): TERAEDQIKI[Ser708Arg]TRKQKSVKEI